The following is an entry in ClinVar:

ClinVar aggregate classification (germline): Benign. Review status: criteria provided, multiple submitters, no conflicts (2 of 4 stars). 3 submissions from 3 submitters: Benign (3). Last evaluated 2019-12-31.

Conditions:
Long QT syndrome (LQTS). Identifiers: MedGen C0023976, MeSH D008133, MONDO:0002442. Disease mechanism: loss of function. Inheritance: Various modes of inheritance.

Allele frequency attached by ClinVar (database versions not stated): 1000 Genomes Project 30x 0.51296; 1000 Genomes Project 0.51877; TOPMed 0.54245; gnomAD 0.55808 and 0.56585; gnomAD exomes 0.68890.
gnomAD v4.1: 392,350 of 598,060 alleles (66%); highest among the groups gnomAD compares: Non-Finnish European, 72%; 136,222 homozygotes.

Submissions (3):

Labcorp Genetics (formerly Invitae), Labcorp
Classification: Benign for Long QT syndrome. Last evaluated: 2019-12-31. Review status: criteria provided, single submitter. Criteria: Invitae Variant Classification Sherloc (09022015). Collection method: clinical testing. Allele origin: germline.

GeneDx
Classification: Benign. Last evaluated: 2018-06-14. Review status: criteria provided, single submitter. Criteria: GeneDx Variant Classification (06012015). Collection method: clinical testing. Allele origin: germline. Affected: yes.
Comment: This variant is considered likely benign or benign based on one or more of the following criteria: it is a conservative change, it occurs at a poorly conserved position in the protein, it is predicted to be benign by multiple in silico algorithms, and/or has population frequency not consistent with disease.

Breakthrough Genomics
Classification: Benign. Review status: criteria provided, single submitter. Criteria: ACMG Guidelines, 2015. Collection method: not provided. Allele origin: germline. Inheritance: Autosomal dominant inheritance. Affected: yes.

NM_000719.7(CACNA1C):c.4233-136G>A

Gene: CACNA1C (calcium voltage-gated channel subunit alpha1 C; plus strand). Cytogenetic location: 12p13.33.
Variant type: single nucleotide variant.
Coding change: c.4233-136G>A on transcript NM_000719.7 (MANE Select); 136 bases into the intron before coding-DNA position 4233, G replaced by A.
Molecular consequence: intron variant.
Genome position (GRCh38, 1-based): chr12:2,664,689, G>A. VCF-style: chr12-2664689-G-A. GRCh37 (hg19) VCF-style: chr12-2773855-G-A.
Other names: c.4233-136G>A (NM_001167624.3, NM_001167623.2, NM_001129840.2 and 7 more transcripts); c.4200-136G>A (NM_001167625.2, NM_001129837.2, NM_001129838.2 and 1 more transcripts); c.4377-136G>A (NM_199460.4, NM_001129827.2); c.4293-136G>A (NM_001129832.2); c.4317-136G>A (NM_001129831.2); c.4299-136G>A (NM_001129829.2); c.4194-136G>A (NM_001129839.2); c.4284-136G>A (NM_001129836.2); and 1 more.
Identifiers: ClinVar variation 671809 (VCV000671809.6), dbSNP rs7315556, ClinGen allele CA13743748.